The following is an entry in ClinVar:

ClinVar aggregate classification (germline): Pathogenic. Review status: criteria provided, multiple submitters, no conflicts (2 of 4 stars). 4 submissions from 4 submitters: Pathogenic (4). Last evaluated 2026-02-23.

Conditions:
Hyperlipoproteinemia, type I. Also called: Lipoprotein Lipase Deficiency; Lipase D deficiency; Hyperlipoproteinemia type 1; Hyperchylomicro-nemia familial; Familial chylomicronemia; Hyperlipemia idiopathic Burger-Grutz type. Identifiers: Orphanet 309015, Orphanet 444490, MedGen C0023817, MONDO:0009387, OMIM 238600. Disease mechanism: loss of function.
Cardiovascular phenotype. Identifiers: MedGen CN230736.

Allele frequency attached by ClinVar (database versions not stated): gnomAD 0.00003 and 0.00002; ExAC 0.00002; gnomAD exomes 0.00001.
gnomAD v4.1: 17 of 1,613,992 alleles (0.0011%); highest among the groups gnomAD compares: East Asian, 0.0045%; no homozygotes.

Submissions (4):

GeneDx
Classification: Pathogenic. Last evaluated: 2026-02-23. Review status: criteria provided, single submitter. Criteria: GeneDx Variant Classification Process June 2021. Collection method: clinical testing. Allele origin: germline.
Comment: Published functional studies demonstrate reduced LPL activity (PMID: 33217533); Not observed at significant frequency in large population cohorts (gnomAD); In silico analysis supports that this missense variant has a deleterious effect on protein structure/function; Also known as p.(E242K); This variant is associated with the following publications: (PMID: 39696078, 10431049, 32041611, 36325899, 35130036, 12905705, 26892137, 27055971, 31619059, 33879184, 16431216, 38530959, 33217533)

Natera, Inc.
Classification: Pathogenic for Lipoprotein lipase deficiency. Last evaluated: 2025-12-22. Review status: criteria provided, single submitter. Criteria: Natera Variant Classification Schema (03/2026). Collection method: clinical testing. Allele origin: germline.
Comment: The c.805G>A variant in LPL is a missense variant predicted to cause substitution of glutamic acid to lysine at amino acid 269. This variant is rare in the general population with a frequency below the threshold expected for the associated phenotype(s). This variant has been observed in one or more individuals affected with the associated recessive disease, as either homozygous or compound heterozygous with a second variant (PMID: 26892137, 33217533, 33879184, 37858495). This variant has been found together with another disease-causing variant in the same copy of the gene (PMID: 16431216). Functional studies show that this variant may disrupt protein function (PMID: 16431216, 12655575). Computational prediction algorithms indicate this variant is likely to affect gene or protein function. Given the available evidence, this variant is classified as Pathogenic.

Labcorp Genetics (formerly Invitae), Labcorp
Classification: Pathogenic. Last evaluated: 2025-11-17. Review status: criteria provided, single submitter. Criteria: Invitae Variant Classification Sherloc (09022015). Collection method: clinical testing. Allele origin: germline.
Comment: This sequence change replaces glutamic acid, which is acidic and polar, with lysine, which is basic and polar, at codon 269 of the LPL protein (p.Glu269Lys). This variant is present in population databases (rs761886494, gnomAD 0.02%). This missense change has been observed in individual(s) with clinical features of lipoprotein lipase deficiency (PMID: 10431049, 12905705, 26892137, 31619059, 33217533). In at least one individual the data is consistent with being in trans (on the opposite chromosome) from a pathogenic variant. This variant is also known as Glu242Lys. ClinVar contains an entry for this variant (Variation ID: 1066636). Invitae Evidence Modeling of protein sequence and biophysical properties (such as structural, functional, and spatial information, amino acid conservation, physicochemical variation, residue mobility, and thermodynamic stability) indicates that this missense variant is expected to disrupt LPL protein function with a positive predictive value of 80%. Experimental studies have shown that this missense change affects LPL function (PMID: 12905705). For these reasons, this variant has been classified as Pathogenic.

Ambry Genetics
Classification: Pathogenic for Cardiovascular phenotype. Last evaluated: 2022-06-23. Review status: criteria provided, single submitter. Criteria: Ambry Variant Classification Scheme 2023. Collection method: clinical testing. Allele origin: germline.
Comment: The p.E269K pathogenic mutation (also known as c.805G>A), located in coding exon 6 of the LPL gene, results from a G to A substitution at nucleotide position 805. The glutamic acid at codon 269 is replaced by lysine, an amino acid with similar properties. This variant (also referred to as p.E242K) has been detected in the homozygous and compound heterozygous state (in trans) with a pathogenic variant in LPL in individuals with severe hypertriglyceridemia (Liu Y et al. J Clin Lipidol, 2016 Sep;10:199-203.e1; El-Koofy NM et al. Lipids Health Dis, 2021 Apr;20:38; Hu X et al. Gene, 2021 Feb;768:145310), and has been detected in the heterozygous state in a severe hypertriglyceridemia cohort (D'Erasmo L et al. Arterioscler Thromb Vasc Biol, 2019 12;39:2531-2541). In vitro assays have indicated that this variant results in decreased enzymatic activity (Yang T et al. Hum Mutat, 2003 Apr;21:453; Yu XH et al. Biochem Biophys Res Commun, 2006 Mar;341:82-7; Hu X et al. Gene, 2021 Feb;768:145310). This variant is considered to be rare based on population cohorts in the Genome Aggregation Database (gnomAD). In addition, this alteration is predicted to be deleterious by in silico analysis. Based on the supporting evidence, this alteration is interpreted as a disease-causing mutation.

Literature cited by the submitters: PubMed 26892137 (cited by 3 submitters); PubMed 33217533 (cited by 3 submitters); PubMed 33879184 (cited by Natera, Inc. and Ambry Genetics); PubMed 37858495 (cited by Natera, Inc.); PubMed 16431216 (cited by Natera, Inc. and Ambry Genetics); PubMed 12655575 (cited by Natera, Inc. and Ambry Genetics); PubMed 10431049 (cited by Labcorp Genetics (formerly Invitae), Labcorp and Ambry Genetics); PubMed 12905705 (cited by Labcorp Genetics (formerly Invitae), Labcorp); PubMed 31619059 (cited by Labcorp Genetics (formerly Invitae), Labcorp and Ambry Genetics); PubMed 27097985 (cited by Ambry Genetics); PubMed 32041611 (cited by Ambry Genetics).

NM_000237.3(LPL):c.805G>A (p.Glu269Lys)

Gene: LPL (lipoprotein lipase; plus strand). Cytogenetic location: 8p21.3.
Variant type: single nucleotide variant.
Coding change: c.805G>A on transcript NM_000237.3 (MANE Select); coding-DNA position 805, G replaced by A.
Protein change: p.Glu269Lys; replaces glutamic acid 269 with lysine.
Molecular consequence: missense variant.
Genome position (GRCh38, 1-based): chr8:19,955,870, G>A. VCF-style: chr8-19955870-G-A. GRCh37 (hg19) VCF-style: chr8-19813381-G-A.
Other names: c.805G>A (NM_000237.2); short protein forms E269K.
Identifiers: ClinVar variation 1066636 (VCV001066636.10), dbSNP rs761886494, ClinGen allele CA4655540.